The following is an entry in ClinVar:

ClinVar aggregate classification (germline): Pathogenic. Review status: criteria provided, multiple submitters, no conflicts (2 of 4 stars). 2 submissions from 2 submitters: Pathogenic (2). Last evaluated 2024-11-20.

Conditions:
Hereditary cancer-predisposing syndrome. Also called: Neoplastic Syndromes, Hereditary; Hereditary Cancer Syndrome; Hereditary neoplastic syndrome; Tumor predisposition. Identifiers: Orphanet 140162, MedGen C0027672, MeSH D009386, MONDO:0015356.
Familial cancer of breast. Also called: BREAST CANCER, FAMILIAL; hereditary breast carcinoma; Hereditary breast cancer. Identifiers: Orphanet 227535, MedGen C0346153, MONDO:0016419, OMIM 114480. Disease mechanism: loss of function.

Submissions (2):

Ambry Genetics
Classification: Pathogenic for Hereditary cancer-predisposing syndrome. Last evaluated: 2024-11-20. Review status: criteria provided, single submitter. Criteria: Ambry Variant Classification Scheme 2023. Collection method: clinical testing. Allele origin: germline.
Comment: The c.1758delT pathogenic mutation, located in coding exon 5 of the PALB2 gene, results from a deletion of one nucleotide at nucleotide position 1758, causing a translational frameshift with a predicted alternate stop codon (p.D586Efs*13). This variant is considered to be rare based on population cohorts in the Genome Aggregation Database (gnomAD). This alteration is expected to result in loss of function by premature protein truncation or nonsense-mediated mRNA decay. As such, this alteration is interpreted as a disease-causing mutation.

Labcorp Genetics (formerly Invitae), Labcorp
Classification: Pathogenic for Familial cancer of breast. Last evaluated: 2021-04-23. Review status: criteria provided, single submitter. Criteria: Invitae Variant Classification Sherloc (09022015). Collection method: clinical testing. Allele origin: germline.
Comment: For these reasons, this variant has been classified as Pathogenic. This variant has not been reported in the literature in individuals with PALB2-related conditions. This variant is not present in population databases (ExAC no frequency). This sequence change creates a premature translational stop signal (p.Asp586Glufs*13) in the PALB2 gene. It is expected to result in an absent or disrupted protein product. Loss-of-function variants in PALB2 are known to be pathogenic (PMID: 17200668, 24136930, 25099575).

Literature cited by the submitters: PubMed 17200668 (cited by Labcorp Genetics (formerly Invitae), Labcorp); PubMed 24136930 (cited by Labcorp Genetics (formerly Invitae), Labcorp); PubMed 25099575 (cited by Labcorp Genetics (formerly Invitae), Labcorp).

NM_024675.4(PALB2):c.1758del (p.Asp586fs)

Gene: PALB2 (partner and localizer of BRCA2; minus strand). Cytogenetic location: 16p12.2.
Variant type: Deletion.
Coding change: c.1758del on transcript NM_024675.4 (MANE Select); coding-DNA position 1758, one base deleted (T; older notation c.1758delT).
Protein change: p.Asp586fs; shifts the reading frame from aspartic acid 586.
Molecular consequence: frameshift variant.
Genome position (GRCh38, 1-based): chr16:23,630,396, A deleted on the plus strand (T on the coding strand, the reverse complement: PALB2 is on the minus strand). VCF-style (leftmost placement, unchanged base first): chr16-23630395-CA-C. GRCh37 (hg19) VCF-style: chr16-23641716-CA-C.
Other names: c.1758delT (NM_024675.3); short protein forms D586fs.
Identifiers: ClinVar variation 1457161 (VCV001457161.8), dbSNP rs2142389968, ClinGen allele CA2573152155.
Genomic context (GRCh38, chr16:23,630,395, plus strand): 5'-GAAAAGACAGTAGTTGCTTTAAACTCAGCATTCCATCCCTATGAAATGGAGCCGTGAAAG[CA>C]TCATCATCCAAGGATAAATAAGCACTATTACTCCAAGAAAGGGAATCCTCTTTTTGATGA-3'